The following is an entry in ClinVar:

ClinVar aggregate classification (germline): Benign/Likely benign. Review status: criteria provided, multiple submitters, no conflicts (2 of 4 stars). 7 submissions from 7 submitters: Benign (6); Likely benign (1). Last evaluated 2026-02-02.

Allele frequency attached by ClinVar (database versions not stated): 1000 Genomes Project 0.01058; 1000 Genomes Project 30x 0.01171; ESP Exome Variant Server 0.01335; TOPMed 0.01341.
gnomAD v4.1: 3,438 of 1,574,316 alleles (0.22%); highest among the groups gnomAD compares: African/African-American, 4.1%; 71 homozygotes.

Submissions (7):

Labcorp Genetics (formerly Invitae), Labcorp
Classification: Benign. Last evaluated: 2026-02-02. Review status: criteria provided, single submitter. Criteria: Invitae Variant Classification Sherloc (09022015). Collection method: clinical testing. Allele origin: germline.

Mayo Clinic Laboratories, Mayo Clinic
Classification: Benign. Last evaluated: 2024-12-30. Review status: criteria provided, single submitter. Criteria: ACMG Guidelines, 2015. Collection method: clinical testing. Allele origin: germline. Observed: 3 variant alleles.
Comment: BS1, BS2, BP4, BP7

Blueprint Genetics
Classification: Likely benign. Last evaluated: 2024-11-25. Review status: criteria provided, single submitter. Criteria: ACMG Guidelines, 2015. Collection method: clinical testing. Allele origin: germline.

ARUP Laboratories, Molecular Genetics and Genomics, ARUP Laboratories
Classification: Benign. Last evaluated: 2024-08-05. Review status: criteria provided, single submitter. Criteria: ARUP Molecular Germline Variant Investigation Process 2024. Collection method: clinical testing. Allele origin: germline.

Eurofins Ntd Llc (ga)
Classification: Benign. Last evaluated: 2015-11-09. Review status: criteria provided, single submitter. Criteria: EGL Classification Definitions 2015. Collection method: clinical testing. Allele origin: germline. Observed: 2 variant alleles, 2 heterozygotes.

GeneDx
Classification: Benign. Last evaluated: 2015-03-03. Review status: criteria provided, single submitter. Criteria: GeneDx Variant Classification Process June 2021. Collection method: clinical testing. Allele origin: germline. Affected: yes.

Breakthrough Genomics
Classification: Benign. Review status: criteria provided, single submitter. Criteria: ACMG Guidelines, 2015. Collection method: not provided. Allele origin: germline. Inheritance: Autosomal recessive inheritance. Affected: yes.

NM_002335.4(LRP5):c.4458G>T (p.Ser1486=)

Gene: LRP5 (LDL receptor related protein 5; plus strand). Cytogenetic location: 11q13.2.
Variant type: single nucleotide variant.
Coding change: c.4458G>T on transcript NM_002335.4 (MANE Select); coding-DNA position 4458, G replaced by T.
Protein change: p.Ser1486=; no amino-acid change (serine 1486 retained).
Molecular consequence: synonymous variant.
Genome position (GRCh38, 1-based): chr11:68,439,886, G>T. VCF-style: chr11-68439886-G-T. GRCh37 (hg19) VCF-style: chr11-68207354-G-T.
Other names: p.Ser1486=; c.2715G>T, p.Ser905= (NM_001291902.2).
Identifiers: ClinVar variation 281199 (VCV000281199.20), dbSNP rs75571306, ClinGen allele CA6150365.